The following is an entry in ClinVar:

ClinVar aggregate classification (germline): Uncertain significance (1 of 4 stars; one submission).

Conditions:
Inborn genetic diseases. Identifiers: MedGen C0950123, MeSH D030342.

Allele frequency attached by ClinVar (database versions not stated): TOPMed below 0.00001.

Submission:

Ambry Genetics
Classification: Uncertain significance for Inborn genetic diseases. Last evaluated: 2021-08-02. Review status: criteria provided, single submitter. Criteria: Ambry Variant Classification Scheme 2023. Collection method: clinical testing. Allele origin: germline.
Comment: The p.T876I variant (also known as c.2627C>T), located in coding exon 17 of the PIK3CA gene, results from a C to T substitution at nucleotide position 2627. The threonine at codon 876 is replaced by isoleucine, an amino acid with similar properties. This amino acid position is conserved. In addition, this alteration is predicted to be deleterious by in silico analysis. Since supporting evidence is limited at this time, the clinical significance of this alteration remains unclear.

NM_006218.4(PIK3CA):c.2627C>T (p.Thr876Ile)

Gene: PIK3CA (phosphatidylinositol-4,5-bisphosphate 3-kinase catalytic subunit alpha; plus strand). Cytogenetic location: 3q26.32.
Variant type: single nucleotide variant.
Coding change: c.2627C>T on transcript NM_006218.4 (MANE Select); coding-DNA position 2627, C replaced by T.
Protein change: p.Thr876Ile; replaces threonine 876 with isoleucine.
Molecular consequence: missense variant.
Genome position (GRCh38, 1-based): chr3:179,229,403, C>T. VCF-style: chr3-179229403-C-T. GRCh37 (hg19) VCF-style: chr3-178947191-C-T.
Other names: short protein forms T876I.
Identifiers: ClinVar variation 1794009 (VCV001794009.2), dbSNP rs1454137650, ClinGen allele CA355278728.
Genomic context (GRCh38, chr3:179,229,403, plus strand): 5'-CTATTATGCAAATTCAGTGCAAAGGCGGCTTGAAAGGTGCACTGCAGTTCAACAGCCACA[C>T]ACTACATCAGTGGCTCAAAGACAAGAACAAAGGAGAAATGTGAGTTGTATTATTCTTTCT-3'
Protein context (NP_006209.2, residues 866-886): LKGALQFNSH[Thr876Ile]LHQWLKDKNK